The following is an entry in ClinVar:

ClinVar aggregate classification (germline): Likely benign. Review status: criteria provided, multiple submitters, no conflicts (2 of 4 stars). 6 submissions from 6 submitters: Likely benign (5). 1 of the submissions does not count toward it. Last evaluated 2025-12-29.

Conditions:
Diabetic retinopathy. Identifiers: MedGen C0011884, MONDO:0005266.
TGFBR2-related disorder. Also called: TGFBR2-related condition.
Familial thoracic aortic aneurysm and aortic dissection (TAAD). Also called: Thoracic aortic aneurysms and dissections. Identifiers: Orphanet 91387, MedGen C4707243, MONDO:0019625.
Loeys-Dietz syndrome 2 (LDS2). Also called: Marfan Syndrome type 2; Marfan like connective tissue disorder; MFS 2; AORTIC ANEURYSM, FAMILIAL THORACIC 3; MARFAN SYNDROME, TYPE II; Marfan syndrome, type 2 (formerly). Identifiers: Orphanet 284973, Orphanet 558, MedGen C2674574, MONDO:0012427, OMIM 610168.

Allele frequency attached by ClinVar (database versions not stated): gnomAD exomes 0.00002 and 0.00003; TOPMed 0.00002; ExAC 0.00003; gnomAD 0.00003.
gnomAD v4.1: 53 of 1,613,718 alleles (0.0033%); highest among the groups gnomAD compares: Middle Eastern, 0.016%; no homozygotes.

Submissions (6):

Labcorp Genetics (formerly Invitae), Labcorp
Classification: Likely benign for Familial thoracic aortic aneurysm and aortic dissection. Last evaluated: 2025-12-29. Review status: criteria provided, single submitter. Criteria: Invitae Variant Classification Sherloc (09022015). Collection method: clinical testing. Allele origin: germline.

All of Us Research Program, National Institutes of Health
Classification: Likely benign for Loeys-Dietz syndrome 2. Last evaluated: 2023-11-30. Review status: criteria provided, single submitter. Criteria: ACMG Guidelines, 2015. Collection method: clinical testing. Allele origin: germline. Inheritance: Autosomal dominant inheritance. Observed: 7 variant alleles, 7 heterozygotes.
Comment: This study involves interpretation of variants in research participants for the purpose of population health screening. Participant phenotype was not available at the time of variant classification. Additional details can be found in publication PMID: 35346344, PMCID: PMC8962531

Ambry Genetics
Classification: Likely benign for Familial thoracic aortic aneurysm and aortic dissection. Last evaluated: 2021-04-15. Review status: criteria provided, single submitter. Criteria: Ambry Variant Classification Scheme 2023. Collection method: clinical testing. Allele origin: germline.

Color Diagnostics, LLC DBA Color Health
Classification: Likely benign for Familial thoracic aortic aneurysm and aortic dissection. Last evaluated: 2021-02-16. Review status: criteria provided, single submitter. Criteria: ACMG Guidelines, 2015. Collection method: clinical testing. Allele origin: germline.

Clinical Genomics, Uppaluri K&H Personalized Medicine Clinic
Classification: Likely benign for Diabetic retinopathy. Review status: criteria provided, single submitter. Criteria: K And H Uppaluri Personalized Medicine Clinic Variant Classification And Assertion Criteria Updated V 2. Collection method: research. Allele origin: unknown.
Comment: Potent mutations in TGFBR2 gene encodes the transforming growth factor that have been associated with angiogenesis and diabetic retinopathy. More clinical studies are needed for stronger association. However, more evidence is required to confer the association of this particular variant rs774840447 with diabetic retinopathy.

PreventionGenetics, part of Exact Sciences
Classification: Likely benign for TGFBR2-related condition. Last evaluated: 2023-02-20. Review status: no assertion criteria provided. Collection method: clinical testing. Allele origin: germline. Not counted in ClinVar's aggregate classification.
Comment: This variant is classified as likely benign based on ACMG/AMP sequence variant interpretation guidelines (Richards et al. 2015 PMID: 25741868, with internal and published modifications).

Literature cited by the submitters: PubMed 30222965 (cited by Clinical Genomics, Uppaluri K&H Personalized Medicine Clinic); PubMed 28162229 (cited by Clinical Genomics, Uppaluri K&H Personalized Medicine Clinic); PubMed 34572573 (cited by Clinical Genomics, Uppaluri K&H Personalized Medicine Clinic).

NM_003242.6(TGFBR2):c.276C>T (p.Asp92=)

Gene: TGFBR2 (transforming growth factor beta receptor 2; plus strand). Cytogenetic location: 3p24.1.
Variant type: single nucleotide variant.
Coding change: c.276C>T on transcript NM_003242.6 (MANE Select); coding-DNA position 276, C replaced by T.
Protein change: p.Asp92=; no amino-acid change (aspartic acid 92 retained).
Molecular consequence: synonymous variant. On other transcripts: intron variant (2).
Genome position (GRCh38, 1-based): chr3:30,650,282, C>T. VCF-style: chr3-30650282-C-T. GRCh37 (hg19) VCF-style: chr3-30691774-C-T.
Other names: c.351C>T, p.Asp117= (NM_001024847.3, NM_001407126.1, NM_001407139.1); c.276C>T, p.Asp92= (NM_001407127.1, NM_001407130.1); c.303C>T, p.Asp101= (NM_001407128.1); c.171C>T, p.Asp57= (NM_001407129.1, NM_001407132.1, NM_001407133.1 and 3 more transcripts); c.170-21356C>T (NM_001407137.1); c.95-21356C>T (NM_001407138.1).
Identifiers: ClinVar variation 706875 (VCV000706875.15), dbSNP rs774840447, ClinGen allele CA047872.